The following is an entry in ClinVar:

NM_001849.4(COL6A2):c.1793T>C (p.Val598Ala)

Gene: COL6A2 (collagen type VI alpha 2 chain; plus strand). Cytogenetic location: 21q22.3.
Variant type: single nucleotide variant.
Coding change: c.1793T>C on transcript NM_001849.4 (MANE Select); coding-DNA position 1793, T replaced by C.
Protein change: p.Val598Ala; replaces valine 598 with alanine.
Molecular consequence: missense variant.
Genome position (GRCh38, 1-based): chr21:46,125,288, T>C. VCF-style: chr21-46125288-T-C. GRCh37 (hg19) VCF-style: chr21-47545202-T-C.
Other names: c.1793T>C, p.Val598Ala (NM_058174.3, NM_058175.3); short protein forms V598A.
Identifiers: ClinVar variation 896442 (VCV000896442.6), dbSNP rs2078643208, ClinGen allele CA410537917.

ClinVar aggregate classification (germline): Uncertain significance. Review status: criteria provided, multiple submitters, no conflicts (2 of 4 stars). 2 submissions from 2 submitters: Uncertain significance (2). Last evaluated 2024-05-06.

Conditions:
Bethlem myopathy 1A. Also called: MYOPATHY, BENIGN CONGENITAL, WITH CONTRACTURES; Bethlem myopathy 1; Bethlem Muscular Dystrophy. Identifiers: Orphanet 610, MedGen CN029274, MONDO:0024530, OMIM 158810.
Collagen 6-related myopathy. Identifiers: MedGen CN117976, MONDO:0100225.

Allele frequency attached by ClinVar (database versions not stated): gnomAD exomes 0.00001.
gnomAD v4.1: 9 of 1,611,906 alleles (0.00056%); highest among the groups gnomAD compares: Non-Finnish European, 0.00068%; no homozygotes.

Submissions (2):

Labcorp Genetics (formerly Invitae), Labcorp
Classification: Uncertain significance for Bethlem myopathy 1A. Last evaluated: 2024-05-06. Review status: criteria provided, single submitter. Criteria: Invitae Variant Classification Sherloc (09022015). Collection method: clinical testing. Allele origin: germline.
Comment: This sequence change replaces valine, which is neutral and non-polar, with alanine, which is neutral and non-polar, at codon 598 of the COL6A2 protein (p.Val598Ala). This variant is not present in population databases (gnomAD no frequency). This variant has not been reported in the literature in individuals affected with COL6A2-related conditions. ClinVar contains an entry for this variant (Variation ID: 896442). Advanced modeling of protein sequence and biophysical properties (such as structural, functional, and spatial information, amino acid conservation, physicochemical variation, residue mobility, and thermodynamic stability) has been performed at Invitae for this missense variant, however the output from this modeling did not meet the statistical confidence thresholds required to predict the impact of this variant on COL6A2 protein function. In summary, the available evidence is currently insufficient to determine the role of this variant in disease. Therefore, it has been classified as a Variant of Uncertain Significance.

Illumina Laboratory Services, Illumina
Classification: Uncertain significance for Collagen VI-related myopathy. Last evaluated: 2018-01-13. Review status: criteria provided, single submitter. Criteria: ICSL Variant Classification Criteria 13 December 2019. Collection method: clinical testing. Allele origin: germline.